The following is an entry in ClinVar:

NM_000038.6(APC):c.3368A>C (p.Gln1123Pro)

Gene: APC (APC regulator of Wnt signaling pathway; plus strand). Cytogenetic location: 5q22.2.
Variant type: single nucleotide variant.
Coding change: c.3368A>C on transcript NM_000038.6 (MANE Select); coding-DNA position 3368, A replaced by C.
Protein change: p.Gln1123Pro; replaces glutamine 1123 with proline.
Molecular consequence: missense variant.
Genome position (GRCh38, 1-based): chr5:112,838,962, A>C. VCF-style: chr5-112838962-A-C. GRCh37 (hg19) VCF-style: chr5-112174659-A-C.
Other names: p.Q1123P:CAA>CCA; c.3368A>C, p.Gln1123Pro (NM_001127510.3, NM_001354895.2); c.3314A>C, p.Gln1105Pro (NM_001127511.3); c.3422A>C, p.Gln1141Pro (NM_001354896.2); c.3398A>C, p.Gln1133Pro (NM_001354897.2); c.3293A>C, p.Gln1098Pro (NM_001354898.2); c.3284A>C, p.Gln1095Pro (NM_001354899.2); c.3245A>C, p.Gln1082Pro (NM_001354900.2); and 6 more; short protein forms Q1123P, Q1105P, Q1022P, Q1098P, Q1082P, Q1133P, Q840P, Q963P.
Identifiers: ClinVar variation 127287 (VCV000127287.35), dbSNP rs587779789, ClinGen allele CA008326.
Genomic context (GRCh38, chr5:112,838,962, plus strand): 5'-GGTCACGGGGAGCCAATGGTTCAGAAACAAATCGAGTGGGTTCTAATCATGGAATTAATC[A>C]AAATGTAAGCCAGTCTTTGTGTCAAGAAGATGACTATGAAGATGATAAGCCTACCAATTA-3'
Protein context (NP_000029.2, residues 1113-1133): NRVGSNHGIN[Gln1123Pro]NVSQSLCQED

ClinVar aggregate classification (germline): Conflicting classifications of pathogenicity. Review status: criteria provided, conflicting classifications (1 of 4 stars). 9 submissions from 9 submitters: Uncertain significance (8); Likely benign (1). Last evaluated 2025-10-13.

Conditions:
Classic or attenuated familial adenomatous polyposis. Identifiers: MedGen CN372698, MONDO:0021057.
Hereditary cancer-predisposing syndrome. Also called: Hereditary Cancer Syndrome; Hereditary neoplastic syndrome; Tumor predisposition; Neoplastic Syndromes, Hereditary. Identifiers: Orphanet 140162, MedGen C0027672, MeSH D009386, MONDO:0015356.
Familial adenomatous polyposis 1 (FAP1). Also called: FAMILIAL ADENOMATOUS POLYPOSIS 1, ATTENUATED; POLYPOSIS, ADENOMATOUS INTESTINAL. Identifiers: MedGen C2713442, MONDO:0021056, OMIM 175100. Disease mechanism: loss of function.

Allele frequency attached by ClinVar (database versions not stated): TOPMed 0.00002; gnomAD 0.00004.
gnomAD v4.1: 20 of 1,614,056 alleles (0.0012%); highest among the groups gnomAD compares: African/African-American, 0.0027%; no homozygotes.

Submissions (9):

Labcorp Genetics (formerly Invitae), Labcorp
Classification: Uncertain significance for Familial adenomatous polyposis 1. Last evaluated: 2025-10-13. Review status: criteria provided, single submitter. Criteria: Invitae Variant Classification Sherloc (09022015). Collection method: clinical testing. Allele origin: germline.
Comment: This sequence change replaces glutamine, which is neutral and polar, with proline, which is neutral and non-polar, at codon 1123 of the APC protein (p.Gln1123Pro). This variant is present in population databases (rs587779789, gnomAD 0.02%). This variant has not been reported in the literature in individuals affected with APC-related conditions. ClinVar contains an entry for this variant (Variation ID: 127287). Invitae Evidence Modeling of protein sequence and biophysical properties (such as structural, functional, and spatial information, amino acid conservation, physicochemical variation, residue mobility, and thermodynamic stability) indicates that this missense variant is not expected to disrupt APC protein function with a negative predictive value of 95%. In summary, the available evidence is currently insufficient to determine the role of this variant in disease. Therefore, it has been classified as a Variant of Uncertain Significance.

GeneDx
Classification: Uncertain significance. Last evaluated: 2025-06-20. Review status: criteria provided, single submitter. Criteria: GeneDx Variant Classification Process June 2021. Collection method: clinical testing. Allele origin: germline. Affected: yes.
Comment: In silico analysis suggests that this missense variant does not alter protein structure/function; Has not been previously published as pathogenic or benign to our knowledge; This variant is associated with the following publications: (PMID: 25742471, 18199528)

Women's Health and Genetics/Laboratory Corporation of America, LabCorp
Classification: Uncertain significance. Last evaluated: 2024-12-06. Review status: criteria provided, single submitter. Criteria: LabCorp Variant Classification Summary - May 2015. Collection method: clinical testing. Allele origin: germline.
Comment: Variant summary: APC c.3368A>C (p.Gln1123Pro) results in a non-conservative amino acid change in the encoded protein sequence. Three of five in-silico tools predict a damaging effect of the variant on protein function. The frequency data for this variant in gnomAD is considered unreliable, as metrics indicate poor data quality at this position. To our knowledge, no occurrence of c.3368A>C in individuals affected with Familial Adenomatous Polyposis and no experimental evidence demonstrating its impact on protein function have been reported. ClinVar contains an entry for this variant (Variation ID: 127287). Based on the evidence outlined above, the variant was classified as uncertain significance.

All of Us Research Program, National Institutes of Health
Classification: Uncertain significance for Classic or attenuated familial adenomatous polyposis. Last evaluated: 2024-08-29. Review status: criteria provided, single submitter. Criteria: ACMG Guidelines, 2015. Collection method: clinical testing. Allele origin: germline. Inheritance: Autosomal dominant inheritance. Observed: 6 variant alleles, 5 heterozygotes, 1 hemizygote.
Comment: This missense variant replaces glutamine with proline at codon 1123 of the APC protein. Computational prediction suggests that this variant may not impact protein structure and function (internally defined REVEL score threshold <= 0.5, PMID: 27666373). To our knowledge, functional studies have not been reported for this variant. This variant has not been reported in individuals affected with APC-related disorders in the literature. This variant has been identified in 4/31402 chromosomes in the general population by the Genome Aggregation Database (gnomAD). The available evidence is insufficient to determine the role of this variant in disease conclusively. Therefore, this variant is classified as a Variant of Uncertain Significance.

This study involves interpretation of variants in research participants for the purpose of population health screening. Participant phenotype was not available at the time of variant classification. Additional details can be found in publication PMID: 35346344, PMCID: PMC8962531

Color Diagnostics, LLC DBA Color Health
Classification: Uncertain significance for Hereditary cancer-predisposing syndrome. Last evaluated: 2024-04-23. Review status: criteria provided, single submitter. Criteria: ACMG Guidelines, 2015. Collection method: clinical testing. Allele origin: germline.
Comment: This missense variant replaces glutamine with proline at codon 1123 of the APC protein. Computational prediction suggests that this variant may not impact protein structure and function (internally defined REVEL score threshold <= 0.5, PMID: 27666373). To our knowledge, functional studies have not been reported for this variant. This variant has not been reported in individuals affected with APC-related disorders in the literature. This variant has been identified in 4/31402 chromosomes in the general population by the Genome Aggregation Database (gnomAD). The available evidence is insufficient to determine the role of this variant in disease conclusively. Therefore, this variant is classified as a Variant of Uncertain Significance.

Baylor Genetics
Classification: Uncertain significance for Familial adenomatous polyposis 1. Last evaluated: 2024-03-24. Review status: criteria provided, single submitter. Criteria: ACMG Guidelines, 2015. Collection method: clinical testing. Allele origin: unknown.

Ambry Genetics
Classification: Likely benign for Hereditary cancer-predisposing syndrome. Last evaluated: 2021-11-17. Review status: criteria provided, single submitter. Criteria: Ambry Variant Classification Scheme 2023. Collection method: clinical testing. Allele origin: germline.

Genetic Services Laboratory, University of Chicago
Classification: Uncertain significance. Last evaluated: 2020-09-15. Review status: criteria provided, single submitter. Criteria: ACMG Guidelines, 2015. Collection method: clinical testing. Allele origin: germline. Affected: no.
Comment: DNA sequence analysis of the APC gene demonstrated a sequence change, c.3368A>C, in exon 16 that results in an amino acid change, p.Gln1123Pro. This sequence change does not appear to have been previously described in patients with APC-related disorders and has been described in the gnomAD database in four individuals with an overall population frequency of 0.013% (dbSNP rs587779789). The p.Gln1123Pro change affects a highly conserved amino acid residue located in a domain of the APC protein that is not known to be functional. In-silico pathogenicity prediction tools (SIFT, PolyPhen2, Align GVGD, REVEL) provide contradictory results for the p.Gln1123Pro substitution. Due to these contrasting evidences and the lack of functional studies, the clinical significance of the p.Gln1123Pro change remains unknown at this time.

PreventionGenetics, part of Exact Sciences
Classification: Uncertain significance. Last evaluated: 2018-01-24. Review status: criteria provided, single submitter. Criteria: ACMG Guidelines, 2015. Collection method: clinical testing. Allele origin: germline.